The following is an entry in ClinVar:

ClinVar aggregate classification (germline): Pathogenic/Likely pathogenic. Review status: criteria provided, multiple submitters, no conflicts (2 of 4 stars). 3 submissions from 3 submitters: Pathogenic (2); Likely pathogenic (1). Last evaluated 2026-08-27.

Conditions:
X-linked Alport syndrome (ATS1). Also called: NEPHROPATHY AND DEAFNESS, X-LINKED; COL4A5-Related Nephropathy. Identifiers: Orphanet 63, Orphanet 88917, MedGen C4746986, MONDO:0010520, OMIM 301050.

Submissions (3):

Centre de Génétique Humaine, Institut de Pathologie Et de Génétique
Classification: Pathogenic for X-linked Alport syndrome. Last evaluated: 2026-08-27. Review status: criteria provided, single submitter. Criteria: ACMG Guidelines, 2015. Collection method: clinical testing. Allele origin: germline, maternal. Inheritance: X-linked dominant inheritance. Affected: yes. Observed: 2 variant alleles, 1 heterozygote, 1 hemizygote. Segregation with disease observed.
Comment: Variant located in the canonical acceptor splice site of intron 26 (PVS1). This variant is rare: absent in gnomAD v4.1.0 database (PM2). In silico analysis supports that this missense variant has a deleterious effect (PP3). Described in patients with X-linked AS in scirntific litterature and ClinVar (PP5)

Labcorp Genetics (formerly Invitae), Labcorp
Classification: Pathogenic. Last evaluated: 2022-11-15. Review status: criteria provided, single submitter. Criteria: Invitae Variant Classification Sherloc (09022015). Collection method: clinical testing. Allele origin: germline.
Comment: ClinVar contains an entry for this variant (Variation ID: 1066653). Disruption of this splice site has been observed in individuals with Alport syndrome (PMID: 30577881, 33040356). This variant is not present in population databases (gnomAD no frequency). This sequence change affects an acceptor splice site in intron 26 of the COL4A5 gene. It is expected to disrupt RNA splicing. Variants that disrupt the donor or acceptor splice site typically lead to a loss of protein function (PMID: 16199547), and loss-of-function variants in COL4A5 are known to be pathogenic (PMID: 9195222, 10752524, 14514738, 24854265, 26809805). For these reasons, this variant has been classified as Pathogenic. Algorithms developed to predict the effect of sequence changes on RNA splicing suggest that this variant may disrupt the consensus splice site.

Fulgent Genetics
Classification: Likely pathogenic for X-linked Alport syndrome. Last evaluated: 2021-12-22. Review status: criteria provided, single submitter. Criteria: ACMG Guidelines, 2015. Collection method: clinical testing. Allele origin: unknown.

Literature cited by the submitters: PubMed 30577881 (cited by Centre de Génétique Humaine, Institut de Pathologie Et de Génétique and Labcorp Genetics (formerly Invitae), Labcorp); PubMed 33040356 (cited by Centre de Génétique Humaine, Institut de Pathologie Et de Génétique and Labcorp Genetics (formerly Invitae), Labcorp); PubMed 16199547 (cited by Labcorp Genetics (formerly Invitae), Labcorp); PubMed 9195222 (cited by Labcorp Genetics (formerly Invitae), Labcorp); PubMed 10752524 (cited by Labcorp Genetics (formerly Invitae), Labcorp); PubMed 14514738 (cited by Labcorp Genetics (formerly Invitae), Labcorp); PubMed 24854265 (cited by Labcorp Genetics (formerly Invitae), Labcorp); PubMed 26809805 (cited by Labcorp Genetics (formerly Invitae), Labcorp).

NM_033380.3(COL4A5):c.2042-2A>G

Gene: COL4A5 (collagen type IV alpha 5 chain; plus strand). Cytogenetic location: Xq22.3.
Variant type: single nucleotide variant.
Coding change: c.2042-2A>G on transcript NM_033380.3 (MANE Select); the canonical splice acceptor site of the intron before coding-DNA position 2042, A replaced by G.
Molecular consequence: splice acceptor variant.
Genome position (GRCh38, 1-based): chrX:108,601,883, A>G. VCF-style: chrX-108601883-A-G. GRCh37 (hg19) VCF-style: chrX-107845113-A-G.
Other names: c.2042-2A>G (NM_000495.5).
Identifiers: ClinVar variation 1066653 (VCV001066653.11), dbSNP rs2066636714, ClinGen allele CA413846888.